The following is an entry in ClinVar:

NM_198586.3(NHLRC1):c.204C>A (p.Cys68Ter)

Gene: NHLRC1 (NHL repeat containing E3 ubiquitin protein ligase 1; minus strand). Cytogenetic location: 6p22.3.
Variant type: single nucleotide variant.
Coding change: c.204C>A on transcript NM_198586.3 (MANE Select); coding-DNA position 204, C replaced by A.
Protein change: p.Cys68Ter; replaces cysteine 68 with a stop codon.
Molecular consequence: nonsense.
Genome position (GRCh38, 1-based): chr6:18,122,403, G>T on the plus strand (C>A on the coding strand, the complement: NHLRC1 is on the minus strand). VCF-style: chr6-18122403-G-T. GRCh37 (hg19) VCF-style: chr6-18122634-G-T.
Other names: short protein forms C68*.
Identifiers: ClinVar variation 1339252 (VCV001339252.2), dbSNP rs769144119, ClinGen allele CA3650028.

ClinVar aggregate classification (germline): Likely pathogenic (1 of 4 stars; one submission).

Conditions:
Lafora disease. Also called: Epilepsy progressive myoclonic 2. Identifiers: Orphanet 501, MedGen C0751783, MONDO:0009697.

Allele frequency attached by ClinVar (database versions not stated): gnomAD exomes below 0.00001 and 0.00001; ExAC 0.00002.

Submission:

Neuberg Centre For Genomic Medicine, NCGM
Classification: Likely pathogenic for Myoclonic epilepsy of Lafora 1. Review status: criteria provided, single submitter. Criteria: ACMG Guidelines, 2015. Collection method: clinical testing. Allele origin: germline. Affected: yes.
Comment: The stop gained p.C68* in NHLRC1 (NM_198586.3) has not been reported previously as a pathogenic variant nor as a benign variant, to our knowledge. The p.C68* variant is observed in 1/28,820 (0.0035%) alleles from individuals of South Asian background in gnomAD Exomes and is novel (not in any individuals) in 1000 Genomes. This variant is a loss of function variant.The presence of previously reported downstream loss of function variants suggest that the detected variant may also lead to loss of function. Functional studies will however be required to confirm the same. For these reasons, this variant has been classified as Likely Pathogenic.